The following is an entry in ClinVar:

ClinVar aggregate classification (germline): Uncertain significance. Review status: criteria provided, multiple submitters, no conflicts (2 of 4 stars). 2 submissions from 2 submitters: Uncertain significance (2). Last evaluated 2023-11-17.

Conditions:
Familial sleep-related hypermotor epilepsy. Also called: Autosomal Dominant Sleep-Related Hypermotor (Hyperkinetic) Epilepsy. Identifiers: Orphanet 98784, MedGen C3696898, MONDO:0000030.

Allele frequency attached by ClinVar (database versions not stated): gnomAD exomes below 0.00001.
gnomAD v4.1: 1 of 1,612,564 alleles (0.000062%); highest among the groups gnomAD compares: South Asian, 0.0011%; no homozygotes.

Submissions (2):

GeneDx
Classification: Uncertain significance. Last evaluated: 2023-11-17. Review status: criteria provided, single submitter. Criteria: GeneDx Variant Classification Process June 2021. Collection method: clinical testing. Allele origin: germline. Affected: yes.
Comment: Not observed at significant frequency in large population cohorts (gnomAD); In silico analysis supports that this missense variant has a deleterious effect on protein structure/function; Has not been previously published as pathogenic or benign to our knowledge

Labcorp Genetics (formerly Invitae), Labcorp
Classification: Uncertain significance. Last evaluated: 2019-07-25. Review status: criteria provided, single submitter. Criteria: Invitae Variant Classification Sherloc (09022015). Collection method: clinical testing. Allele origin: germline.
Comment: In summary, the available evidence is currently insufficient to determine the role of this variant in disease. Therefore, it has been classified as a Variant of Uncertain Significance. Algorithms developed to predict the effect of missense changes on protein structure and function are either unavailable or do not agree on the potential impact of this missense change (SIFT: "Deleterious"; PolyPhen-2: "Probably Damaging"; Align-GVGD: "Class C15"). This variant has not been reported in the literature in individuals with CHRNA2-related conditions. This variant is not present in population databases (ExAC no frequency). This sequence change replaces proline with leucine at codon 375 of the CHRNA2 protein (p.Pro375Leu). The proline residue is highly conserved and there is a moderate physicochemical difference between proline and leucine.

NM_000742.4(CHRNA2):c.1124C>T (p.Pro375Leu)

Gene: CHRNA2 (cholinergic receptor nicotinic alpha 2 subunit; minus strand). Cytogenetic location: 8p21.2.
Variant type: single nucleotide variant.
Coding change: c.1124C>T on transcript NM_000742.4 (MANE Select); coding-DNA position 1124, C replaced by T.
Protein change: p.Pro375Leu; replaces proline 375 with leucine.
Molecular consequence: missense variant.
Genome position (GRCh38, 1-based): chr8:27,463,319, G>A on the plus strand (C>T on the coding strand, the complement: CHRNA2 is on the minus strand). VCF-style: chr8-27463319-G-A. GRCh37 (hg19) VCF-style: chr8-27320836-G-A.
Other names: c.1079C>T, p.Pro360Leu (NM_001282455.2); c.647C>T, p.Pro216Leu (NM_001347705.2, NM_001347706.2); c.530C>T, p.Pro177Leu (NM_001347707.2, NM_001347708.2); short protein forms P360L, P216L, P177L, P375L.
Identifiers: ClinVar variation 962442 (VCV000962442.7), dbSNP rs1812571543, ClinGen allele CA370809420.